The following is an entry in ClinVar:

ClinVar aggregate classification (germline): Conflicting classifications of pathogenicity. Review status: criteria provided, conflicting classifications (1 of 4 stars). 3 submissions from 3 submitters: Uncertain significance (2); Likely benign (1). Last evaluated 2025-08-04.

Allele frequency attached by ClinVar (database versions not stated): gnomAD exomes below 0.00001; TOPMed 0.00001.
gnomAD v4.1: 1 of 1,596,558 alleles (0.000063%); highest among the groups gnomAD compares: Non-Finnish European, 0.000085%; no homozygotes.

Submissions (3):

Labcorp Genetics (formerly Invitae), Labcorp
Classification: Uncertain significance. Last evaluated: 2025-08-04. Review status: criteria provided, single submitter. Criteria: Invitae Variant Classification Sherloc (09022015). Collection method: clinical testing. Allele origin: germline.
Comment: This sequence change replaces alanine, which is neutral and non-polar, with valine, which is neutral and non-polar, at codon 1473 of the AHDC1 protein (p.Ala1473Val). This variant is not present in population databases (gnomAD no frequency). This variant has not been reported in the literature in individuals affected with AHDC1-related conditions. ClinVar contains an entry for this variant (Variation ID: 2499886). An algorithm developed to predict the effect of missense changes on protein structure and function (PolyPhen-2) suggests that this variant is likely to be disruptive. In summary, the available evidence is currently insufficient to determine the role of this variant in disease. Therefore, it has been classified as a Variant of Uncertain Significance.

GeneDx
Classification: Likely benign. Last evaluated: 2024-11-15. Review status: criteria provided, single submitter. Criteria: GeneDx Variant Classification Process June 2021. Collection method: clinical testing. Allele origin: germline.
Comment: See Variant Classification Assertion Criteria.

Blueprint Genetics
Classification: Uncertain significance. Last evaluated: 2022-01-25. Review status: criteria provided, single submitter. Criteria: ACMG Guidelines, 2015. Collection method: clinical testing. Allele origin: germline.

NM_001371928.1(AHDC1):c.4418C>T (p.Ala1473Val)

Gene: AHDC1 (AT-hook DNA binding motif containing 1; minus strand). Cytogenetic location: 1p36.11.
Variant type: single nucleotide variant.
Coding change: c.4418C>T on transcript NM_001371928.1 (MANE Select); coding-DNA position 4418, C replaced by T.
Protein change: p.Ala1473Val; replaces alanine 1473 with valine.
Molecular consequence: missense variant.
Genome position (GRCh38, 1-based): chr1:27,547,698, G>A on the plus strand (C>T on the coding strand, the complement: AHDC1 is on the minus strand). VCF-style: chr1-27547698-G-A. GRCh37 (hg19) VCF-style: chr1-27874209-G-A.
Other names: c.4418C>T, p.Ala1473Val (NM_001029882.3); c.374C>T, p.Ala125Val (NM_015699.1); short protein forms A125V, A1473V.
Identifiers: ClinVar variation 2499886 (VCV002499886.5), dbSNP rs2019248403, ClinGen allele CA339222163.